The following is an entry in ClinVar:

ClinVar aggregate classification (germline): Uncertain significance (1 of 4 stars; one submission).

Conditions:
Neuroblastoma, susceptibility to, 3. Also called: ALK-Related Neuroblastic Tumor Susceptibility. Identifiers: Orphanet 635, MedGen C2751681, MONDO:0013083, OMIM 613014.

Submission:

Labcorp Genetics (formerly Invitae), Labcorp
Classification: Uncertain significance for Neuroblastoma, susceptibility to, 3. Last evaluated: 2024-09-23. Review status: criteria provided, single submitter. Criteria: Invitae Variant Classification Sherloc (09022015). Collection method: clinical testing. Allele origin: germline.
Comment: This sequence change creates a premature translational stop signal (p.Leu720Argfs*32) in the ALK gene. It is expected to result in an absent or disrupted protein product. However, the current clinical and genetic evidence is not sufficient to establish whether loss-of-function variants in ALK cause disease. This variant is not present in population databases (gnomAD no frequency). This variant has not been reported in the literature in individuals affected with ALK-related conditions. ClinVar contains an entry for this variant (Variation ID: 1520529). In summary, the available evidence is currently insufficient to determine the role of this variant in disease. Therefore, it has been classified as a Variant of Uncertain Significance.

NM_004304.5(ALK):c.2159del (p.Leu720fs)

Gene: ALK (ALK receptor tyrosine kinase; minus strand). Cytogenetic location: 2p23.2.
Variant type: Deletion.
Coding change: c.2159del on transcript NM_004304.5 (MANE Select); coding-DNA position 2159, one base deleted (T; older notation c.2159delT).
Protein change: p.Leu720fs; shifts the reading frame from leucine 720.
Molecular consequence: frameshift variant.
Genome position (GRCh38, 1-based): chr2:29,251,150, A deleted on the plus strand (T on the coding strand, the reverse complement: ALK is on the minus strand). VCF-style (leftmost placement, unchanged base first): chr2-29251149-CA-C. GRCh37 (hg19) VCF-style: chr2-29474015-CA-C.
Other names: short protein forms L720fs.
Identifiers: ClinVar variation 1520529 (VCV001520529.6), dbSNP rs2148197328, ClinGen allele CA2573134709.
Genomic context (GRCh38, chr2:29,251,149, plus strand): 5'-CCTCTTCCATACGCACCTGTAGGTGTCGGTGGCTGGCACCTTCCAGATCTGGATGCCTTT[CA>C]GGGGGCCCTCGCTCCCCACCTCCACGCTCAGGTTGGAGTTCTGGTAGGCGTTGTTGCACT-3'